The following is an entry in ClinVar:

NM_001364905.1(LRBA):c.7313A>G (p.Tyr2438Cys)

Gene: LRBA (LPS responsive beige-like anchor protein; minus strand). Cytogenetic location: 4q31.3.
Variant type: single nucleotide variant.
Coding change: c.7313A>G on transcript NM_001364905.1 (MANE Select); coding-DNA position 7313, A replaced by G.
Protein change: p.Tyr2438Cys; replaces tyrosine 2438 with cysteine.
Molecular consequence: missense variant.
Genome position (GRCh38, 1-based): chr4:150,350,041, T>C on the plus strand (A>G on the coding strand, the complement: LRBA is on the minus strand). VCF-style: chr4-150350041-T-C. GRCh37 (hg19) VCF-style: chr4-151271193-T-C.
Other names: c.7313A>G, p.Tyr2438Cys (NM_001199282.3, NM_001367550.1); c.7346A>G, p.Tyr2449Cys (NM_006726.5); short protein forms Y2449C, Y2438C.
Identifiers: ClinVar variation 1427624 (VCV001427624.7), dbSNP rs1736926173, ClinGen allele CA358605227.

ClinVar aggregate classification (germline): Uncertain significance (1 of 4 stars; one submission).

Conditions:
Combined immunodeficiency due to LRBA deficiency. Also called: Common variable immunodeficiency 8, with autoimmunity. Identifiers: Orphanet 445018, MedGen C3553512, MONDO:0013863, OMIM 614700.

Allele frequency attached by ClinVar (database versions not stated): gnomAD exomes below 0.00001; gnomAD 0.00001.
gnomAD v4.1: 4 of 1,613,838 alleles (0.00025%); highest among the groups gnomAD compares: East Asian, 0.0022%; no homozygotes.

Submission:

Labcorp Genetics (formerly Invitae), Labcorp
Classification: Uncertain significance for Combined immunodeficiency due to LRBA deficiency. Last evaluated: 2024-11-05. Review status: criteria provided, single submitter. Criteria: Invitae Variant Classification Sherloc (09022015). Collection method: clinical testing. Allele origin: germline.
Comment: This sequence change replaces tyrosine, which is neutral and polar, with cysteine, which is neutral and slightly polar, at codon 2449 of the LRBA protein (p.Tyr2449Cys). This variant is not present in population databases (gnomAD no frequency). This variant has not been reported in the literature in individuals affected with LRBA-related conditions. ClinVar contains an entry for this variant (Variation ID: 1427624). Invitae Evidence Modeling of protein sequence and biophysical properties (such as structural, functional, and spatial information, amino acid conservation, physicochemical variation, residue mobility, and thermodynamic stability) indicates that this missense variant is expected to disrupt LRBA protein function with a positive predictive value of 80%. In summary, the available evidence is currently insufficient to determine the role of this variant in disease. Therefore, it has been classified as a Variant of Uncertain Significance.